The following is an entry in ClinVar:

NM_005045.4(RELN):c.7861G>A (p.Gly2621Arg)

Gene: RELN (reelin; minus strand). Cytogenetic location: 7q22.1.
Variant type: single nucleotide variant.
Coding change: c.7861G>A on transcript NM_005045.4 (MANE Select); coding-DNA position 7861, G replaced by A.
Protein change: p.Gly2621Arg; replaces glycine 2621 with arginine.
Molecular consequence: missense variant.
Genome position (GRCh38, 1-based): chr7:103,519,324, C>T on the plus strand (G>A on the coding strand, the complement: RELN is on the minus strand). VCF-style: chr7-103519324-C-T. GRCh37 (hg19) VCF-style: chr7-103159771-C-T.
Other names: c.7861G>A, p.Gly2621Arg (NM_173054.3); short protein forms G2621R.
Identifiers: ClinVar variation 971005 (VCV000971005.13), dbSNP rs144453936, ClinGen allele CA4420646.

ClinVar aggregate classification (germline): Uncertain significance. Review status: criteria provided, multiple submitters, no conflicts (2 of 4 stars). 3 submissions from 3 submitters: Uncertain significance (2). 1 of the submissions does not count toward it. Last evaluated 2025-12-03.

Conditions:
Norman-Roberts syndrome (LIS2). Also called: Lissencephaly 2 (Norman-Roberts type). Identifiers: Orphanet 89844, MedGen C0796089, MONDO:0009760, OMIM 257320.
Familial temporal lobe epilepsy 7. Identifiers: Orphanet 101046, MedGen C4225327, MONDO:0014639, OMIM 616436.
RELN-related disorder. Also called: RELN-related condition.

Allele frequency attached by ClinVar (database versions not stated): ExAC 0.00004; gnomAD exomes 0.00004; gnomAD 0.00006 and 0.00007; ESP Exome Variant Server 0.00008; TOPMed 0.00010.
gnomAD v4.1: 33 of 1,611,466 alleles (0.002%); highest among the groups gnomAD compares: African/African-American, 0.031%; no homozygotes.

Submissions (3):

Labcorp Genetics (formerly Invitae), Labcorp
Classification: Uncertain significance for Familial temporal lobe epilepsy 7; Norman-Roberts syndrome. Last evaluated: 2025-12-03. Review status: criteria provided, single submitter. Criteria: Invitae Variant Classification Sherloc (09022015). Collection method: clinical testing. Allele origin: germline.
Comment: This sequence change replaces glycine, which is neutral and non-polar, with arginine, which is basic and polar, at codon 2621 of the RELN protein (p.Gly2621Arg). The frequency data for this variant in the population databases is considered unreliable, as metrics indicate poor data quality at this position in the gnomAD database. This variant has not been reported in the literature in individuals affected with RELN-related conditions. ClinVar contains an entry for this variant (Variation ID: 971005). An algorithm developed to predict the effect of missense changes on protein structure and function (PolyPhen-2) suggests that this variant is likely to be disruptive. In summary, the available evidence is currently insufficient to determine the role of this variant in disease. Therefore, it has been classified as a Variant of Uncertain Significance.

GeneDx
Classification: Uncertain significance. Last evaluated: 2024-02-09. Review status: criteria provided, single submitter. Criteria: GeneDx Variant Classification Process June 2021. Collection method: clinical testing. Allele origin: germline. Affected: yes.
Comment: In silico analysis supports that this missense variant does not alter protein structure/function; Has not been previously published as pathogenic or benign to our knowledge

PreventionGenetics, part of Exact Sciences
Classification: Uncertain significance for RELN-related condition. Last evaluated: 2023-12-21. Review status: no assertion criteria provided. Collection method: clinical testing. Allele origin: germline. Not counted in ClinVar's aggregate classification.
Comment: The RELN c.7861G>A variant is predicted to result in the amino acid substitution p.Gly2621Arg. To our knowledge, this variant has not been reported in the literature. This variant is reported in 0.024% of alleles in individuals of African descent in gnomAD. At this time, the clinical significance of this variant is uncertain due to the absence of conclusive functional and genetic evidence.